The following is an entry in ClinVar:

NM_001244710.2(GFPT1):c.1009+232_1009+234del

Gene: GFPT1 (glutamine--fructose-6-phosphate transaminase 1; minus strand). Cytogenetic location: 2p13.3.
Variant type: Microsatellite.
Coding change: c.1009+232_1009+234del on transcript NM_001244710.2 (MANE Select); bases 232 to 234 of the intron after coding-DNA position 1009, 3 bases deleted (TTA; older notation c.1009+232_1009+234delTTA).
Molecular consequence: intron variant.
Genome position (GRCh38, 1-based): chr2:69,347,937-69,347,939, TAA deleted on the plus strand (TTA on the coding strand, the reverse complement: GFPT1 is on the minus strand); deleting any 3 consecutive bases within chr2:69,347,937-69,347,942 gives the same sequence; the c. name uses the placement nearest the transcript's 3' end. VCF-style (leftmost placement, unchanged base first): chr2-69347936-TTAA-T. GRCh37 (hg19) VCF-style: chr2-69575068-TTAA-T.
Other names: c.955+232_955+234del (NM_002056.4).
Identifiers: ClinVar variation 679958 (VCV000679958.1), dbSNP rs150762658, ClinGen allele CA49519167.

ClinVar aggregate classification (germline): Likely benign (1 of 4 stars; one submission).

Submission:

GeneDx
Classification: Likely benign. Last evaluated: 2018-06-19. Review status: criteria provided, single submitter. Criteria: GeneDx Variant Classification (06012015). Collection method: clinical testing. Allele origin: germline. Affected: yes.
Comment: This variant is considered likely benign or benign based on one or more of the following criteria: it is a conservative change, it occurs at a poorly conserved position in the protein, it is predicted to be benign by multiple in silico algorithms, and/or has population frequency not consistent with disease.